The following is an entry in ClinVar:

NM_004608.4(TBX6):c.578A>G (p.His193Arg)

Gene: TBX6 (T-box transcription factor 6; minus strand). Cytogenetic location: 16p11.2.
Variant type: single nucleotide variant.
Coding change: c.578A>G on transcript NM_004608.4 (MANE Select); coding-DNA position 578, A replaced by G.
Protein change: p.His193Arg; replaces histidine 193 with arginine.
Molecular consequence: missense variant.
Genome position (GRCh38, 1-based): chr16:30,088,986, T>C on the plus strand (A>G on the coding strand, the complement: TBX6 is on the minus strand). VCF-style: chr16-30088986-T-C. GRCh37 (hg19) VCF-style: chr16-30100307-T-C.
Other names: short protein forms H193R.
Identifiers: ClinVar variation 1435615 (VCV001435615.8), dbSNP rs764981636, ClinGen allele CA8001889.

ClinVar aggregate classification (germline): Uncertain significance (1 of 4 stars; one submission).

Allele frequency attached by ClinVar (database versions not stated): gnomAD exomes below 0.00001 and 0.00001; ExAC 0.00001.
gnomAD v4.1: 5 of 1,613,160 alleles (0.00031%); highest among the groups gnomAD compares: Non-Finnish European, 0.00042%; no homozygotes.

Submission:

Labcorp Genetics (formerly Invitae), Labcorp
Classification: Uncertain significance. Last evaluated: 2022-01-15. Review status: criteria provided, single submitter. Criteria: Invitae Variant Classification Sherloc (09022015). Collection method: clinical testing. Allele origin: germline.
Comment: In summary, the available evidence is currently insufficient to determine the role of this variant in disease. Therefore, it has been classified as a Variant of Uncertain Significance. Algorithms developed to predict the effect of missense changes on protein structure and function (SIFT, PolyPhen-2, Align-GVGD) all suggest that this variant is likely to be disruptive. This variant has not been reported in the literature in individuals affected with TBX6-related conditions. This variant is present in population databases (rs764981636, gnomAD 0.002%). This sequence change replaces histidine, which is basic and polar, with arginine, which is basic and polar, at codon 193 of the TBX6 protein (p.His193Arg).